The following is an entry in ClinVar:

NM_000552.5(VWF):c.6466C>A (p.Pro2156Thr)

Gene: VWF (von Willebrand factor; minus strand). Cytogenetic location: 12p13.31.
Variant type: single nucleotide variant.
Coding change: c.6466C>A on transcript NM_000552.5 (MANE Select); coding-DNA position 6466, C replaced by A.
Protein change: p.Pro2156Thr; replaces proline 2156 with threonine.
Molecular consequence: missense variant.
Genome position (GRCh38, 1-based): chr12:5,993,994, G>T on the plus strand (C>A on the coding strand, the complement: VWF is on the minus strand). VCF-style: chr12-5993994-G-T. GRCh37 (hg19) VCF-style: chr12-6103160-G-T.
Other names: short protein forms P2156T.
Identifiers: ClinVar variation 3902099 (VCV003902099.1).

ClinVar aggregate classification (germline): Uncertain significance (1 of 4 stars; one submission).

gnomAD v4.1: 1 of 1,614,160 alleles (0.000062%); highest among the groups gnomAD compares: Non-Finnish European, 0.000085%; no homozygotes.

Submission:

Women's Health and Genetics/Laboratory Corporation of America, LabCorp
Classification: Uncertain significance. Last evaluated: 2025-05-20. Review status: criteria provided, single submitter. Criteria: LabCorp Variant Classification Summary - May 2015. Collection method: clinical testing. Allele origin: germline.
Comment: Variant summary: VWF c.6466C>A (p.Pro2156Thr) results in a non-conservative amino acid change in the encoded protein sequence. Algorithms developed to predict the effect of missense changes on protein structure and function all suggest that this variant is likely to be disruptive. The variant was absent in 251396 control chromosomes (gnomAD). The available data on variant occurrences in the general population are insufficient to allow any conclusion about variant significance. To our knowledge, no occurrence of c.6466C>A in individuals affected with Von Willebrand Disease and no experimental evidence demonstrating its impact on protein function have been reported. No submitters have cited clinical-significance assessments for this variant to ClinVar. Based on the evidence outlined above, the variant was classified as uncertain significance.